The following is an entry in ClinVar:

ClinVar aggregate classification (germline): Uncertain significance (1 of 4 stars; one submission).

Conditions:
Sterile multifocal osteomyelitis with periostitis and pustulosis. Also called: CHRONIC RECURRENT MULTIFOCAL OSTEOMYELITIS 2, WITH PERIOSTITIS AND PUSTULOSIS. Identifiers: Orphanet 210115, MedGen C2748507, MONDO:0013021, OMIM 612852.

Submission:

Labcorp Genetics (formerly Invitae), Labcorp
Classification: Uncertain significance for Sterile multifocal osteomyelitis with periostitis and pustulosis. Last evaluated: 2023-11-27. Review status: criteria provided, single submitter. Criteria: Invitae Variant Classification Sherloc (09022015). Collection method: clinical testing. Allele origin: germline.
Comment: This sequence change replaces leucine, which is neutral and non-polar, with phenylalanine, which is neutral and non-polar, at codon 6 of the IL1RN protein (p.Leu6Phe). This variant is not present in population databases (gnomAD no frequency). This variant has not been reported in the literature in individuals affected with IL1RN-related conditions. ClinVar contains an entry for this variant (Variation ID: 1908729). Experimental studies and prediction algorithms are not available or were not evaluated, and the functional significance of this variant is currently unknown. In summary, the available evidence is currently insufficient to determine the role of this variant in disease. Therefore, it has been classified as a Variant of Uncertain Significance.

NM_173841.3(IL1RN):c.18G>T (p.Leu6Phe)

Gene: IL1RN (interleukin 1 receptor antagonist; plus strand). Cytogenetic location: 2q14.1.
Variant type: single nucleotide variant.
Coding change: c.18G>T on transcript NM_173841.3; coding-DNA position 18, G replaced by T.
Protein change: p.Leu6Phe; replaces leucine 6 with phenylalanine.
Molecular consequence: missense variant. On other transcripts: 5 prime UTR variant (1), intron variant (2).
Genome position (GRCh38, 1-based): chr2:113,120,073, G>T. VCF-style: chr2-113120073-G-T. GRCh37 (hg19) VCF-style: chr2-113877650-G-T.
Other names: c.-265G>T (NM_001318914.2); c.-209-1375G>T (NM_173843.3); c.10+2045G>T (NM_000577.5); short protein forms L6F.
Identifiers: ClinVar variation 1908729 (VCV001908729.4), dbSNP rs1173666705, ClinGen allele CA348292563.